The following is an entry in ClinVar:

NM_016120.4(RLIM):c.497A>G (p.Glu166Gly)

Gene: RLIM (ring finger protein, LIM domain interacting; minus strand). Cytogenetic location: Xq13.2.
Variant type: single nucleotide variant.
Coding change: c.497A>G on transcript NM_016120.4 (MANE Select); coding-DNA position 497, A replaced by G.
Protein change: p.Glu166Gly; replaces glutamic acid 166 with glycine.
Molecular consequence: missense variant.
Genome position (GRCh38, 1-based): chrX:74,592,818, T>C on the plus strand (A>G on the coding strand, the complement: RLIM is on the minus strand). VCF-style: chrX-74592818-T-C. GRCh37 (hg19) VCF-style: chrX-73812653-T-C.
Other names: c.497A>G, p.Glu166Gly (NM_183353.3); short protein forms E166G.
Identifiers: ClinVar variation 3353722 (VCV003353722.1).
Genomic context (GRCh38, chrX:74,592,818, plus strand): 5'-GCAGATGTTGATTCAGATCGTGGGTTTTCCACTTGCCTTTGGCTGTTGTTTTCCACATTT[T>C]CTCCACTAGAACGTCTTGCAGATGGCTCATTTTCATTCTCTGAATTTTGGCTCCCATTAT-3'
Protein context (NP_057204.2, residues 156-176): NEPSARRSSG[Glu166Gly]NVENNSQRQV

ClinVar aggregate classification (germline): Uncertain significance (0 of 4 stars; one submission).

Conditions:
RLIM-related disorder. Also called: RLIM-related condition.

Submission:

PreventionGenetics, part of Exact Sciences
Classification: Uncertain significance for RLIM-related condition. Last evaluated: 2024-04-22. Review status: no assertion criteria provided. Collection method: clinical testing. Allele origin: germline.
Comment: The RLIM c.497A>G variant is predicted to result in the amino acid substitution p.Glu166Gly. To our knowledge, this variant has not been reported in the literature or in a large population database, indicating this variant is rare. At this time, the clinical significance of this variant is uncertain due to the absence of conclusive functional and genetic evidence.